The following is an entry in ClinVar:

ClinVar aggregate classification (germline): Benign. Review status: criteria provided, multiple submitters, no conflicts (2 of 4 stars). 3 submissions from 3 submitters: Benign (3). Last evaluated 2026-02-04.

Conditions:
Autosomal recessive congenital ichthyosis 2 (ARCI2). Identifiers: Orphanet 281122, Orphanet 79394, MedGen C3888093, MONDO:0009439, OMIM 242100.

Allele frequency attached by ClinVar (database versions not stated): ESP Exome Variant Server 0.00123; gnomAD 0.00167 and 0.00215; TOPMed 0.00206; 1000 Genomes Project 0.00539; 1000 Genomes Project 30x 0.00593.
gnomAD v4.1: 4,241 of 1,614,140 alleles (0.26%); highest among the groups gnomAD compares: South Asian, 1.8%; 30 homozygotes.

Submissions (3):

Labcorp Genetics (formerly Invitae), Labcorp
Classification: Benign. Last evaluated: 2026-02-04. Review status: criteria provided, single submitter. Criteria: Invitae Variant Classification Sherloc (09022015). Collection method: clinical testing. Allele origin: germline.

Illumina Laboratory Services, Illumina
Classification: Benign for Autosomal recessive congenital ichthyosis 2. Last evaluated: 2018-01-13. Review status: criteria provided, single submitter. Criteria: ICSL Variant Classification Criteria 13 December 2019. Collection method: clinical testing. Allele origin: germline.
Comment: This variant was observed in the ICSL laboratory as part of a predisposition screen in an ostensibly healthy population. It had not been previously curated by ICSL or reported in the Human Gene Mutation Database (HGMD: prior to June 1st, 2018), and was therefore a candidate for classification through an automated scoring system. Utilizing variant allele frequency, disease prevalence and penetrance estimates, and inheritance mode, an automated score was calculated to assess if this variant is too frequent to cause the disease. Based on the score and internal cut-off values, a variant classified as benign is not then subjected to further curation. The score for this variant resulted in a classification of benign for this disease.

Breakthrough Genomics
Classification: Benign. Review status: criteria provided, single submitter. Criteria: ACMG Guidelines, 2015. Collection method: not provided. Allele origin: germline. Inheritance: Autosomal recessive inheritance. Affected: yes.

NM_001139.3(ALOX12B):c.1533-11C>G

Gene: ALOX12B (arachidonate 12-lipoxygenase, 12R type; minus strand). Cytogenetic location: 17p13.1.
Variant type: single nucleotide variant.
Coding change: c.1533-11C>G on transcript NM_001139.3 (MANE Select); 11 bases into the intron before coding-DNA position 1533, C replaced by G.
Molecular consequence: intron variant.
Genome position (GRCh38, 1-based): chr17:8,075,727, G>C on the plus strand (C>G on the coding strand, the complement: ALOX12B is on the minus strand). VCF-style: chr17-8075727-G-C. GRCh37 (hg19) VCF-style: chr17-7979045-G-C.
Identifiers: ClinVar variation 891849 (VCV000891849.12), dbSNP rs199760981, ClinGen allele CA8367269.